The following is an entry in ClinVar:

NM_001734.5(C1S):c.1066C>T (p.Pro356Ser)

Gene: C1S (complement C1s; plus strand). Cytogenetic location: 12p13.31.
Variant type: single nucleotide variant.
Coding change: c.1066C>T on transcript NM_001734.5 (MANE Select); coding-DNA position 1066, C replaced by T.
Protein change: p.Pro356Ser; replaces proline 356 with serine.
Molecular consequence: missense variant.
Genome position (GRCh38, 1-based): chr12:7,067,117, C>T. VCF-style: chr12-7067117-C-T. GRCh37 (hg19) VCF-style: chr12-7174421-C-T.
Other names: c.565C>T, p.Pro189Ser (NM_001346850.2); c.1066C>T, p.Pro356Ser (NM_201442.4); short protein forms P189S, P356S.
Identifiers: ClinVar variation 2957052 (VCV002957052.4), dbSNP rs782666102, ClinGen allele CA6423657.

ClinVar aggregate classification (germline): Uncertain significance. Review status: criteria provided, multiple submitters, no conflicts (2 of 4 stars). 2 submissions from 2 submitters: Uncertain significance (2). Last evaluated 2026-01-06.

Allele frequency attached by ClinVar (database versions not stated): ExAC 0.00002; TOPMed 0.00001; gnomAD 0.00003.
gnomAD v4.1: 33 of 1,566,178 alleles (0.0021%); highest among the groups gnomAD compares: Admixed American, 0.0033%; no homozygotes.

Submissions (2):

Women's Health and Genetics/Laboratory Corporation of America, LabCorp
Classification: Uncertain significance. Last evaluated: 2026-01-06. Review status: criteria provided, single submitter. Criteria: LabCorp Variant Classification Summary - May 2015. Collection method: clinical testing. Allele origin: germline.
Comment: Variant summary: C1S c.1066C>T (p.Pro356Ser) results in a non-conservative amino acid change in the encoded protein sequence. Algorithms developed to predict the effect of missense changes on protein structure and function are either unavailable or do not agree on the potential impact of this missense change. Several computational tools predict a significant impact on normal splicing: Three predict the variant weakens a 5' donor site. However, these predictions have yet to be confirmed by functional studies. The variant allele was found at a frequency of 1.6e-05 in 251386 control chromosomes (gnomAD). The available data on variant occurrences in the general population are insufficient to allow any conclusion about variant significance. To our knowledge, no occurrence of c.1066C>T in individuals affected with C1S-related conditions and no experimental evidence demonstrating its impact on protein function have been reported. ClinVar contains an entry for this variant (Variation ID: 2957052). Based on the evidence outlined above, the variant was classified as uncertain significance.

Labcorp Genetics (formerly Invitae), Labcorp
Classification: Uncertain significance. Last evaluated: 2025-10-03. Review status: criteria provided, single submitter. Criteria: Invitae Variant Classification Sherloc (09022015). Collection method: clinical testing. Allele origin: germline.
Comment: This sequence change replaces proline, which is neutral and non-polar, with serine, which is neutral and polar, at codon 356 of the C1S protein (p.Pro356Ser). This variant is present in population databases (rs782666102, gnomAD 0.005%). This variant has not been reported in the literature in individuals affected with C1S-related conditions. ClinVar contains an entry for this variant (Variation ID: 2957052). An algorithm developed to predict the effect of missense changes on protein structure and function (PolyPhen-2) suggests that this variant is likely to be disruptive. In summary, the available evidence is currently insufficient to determine the role of this variant in disease. Therefore, it has been classified as a Variant of Uncertain Significance.